The following is an entry in ClinVar:

ClinVar aggregate classification (germline): Uncertain significance (1 of 4 stars; one submission).

Submission:

Laboratory for Molecular Medicine, Mass General Brigham Personalized Medicine
Classification: Uncertain significance. Last evaluated: 2013-04-21. Review status: criteria provided, single submitter. Criteria: LMM Criteria. Collection method: clinical testing. Allele origin: germline. Observed: 1 variant allele.
Comment: The Asp134Gly variant in TNNI3 has not been reported in individuals with cardiom yopathy or in large population studies. Computational analyses (biochemical amin o acid properties, conservation, AlignGVGD, PolyPhen2, and SIFT) do not provide strong support for or against an impact to the protein. Additional information i s needed to fully assess the clinical significance of the Asp134Gly variant.

NM_000363.5(TNNI3):c.401A>G (p.Asp134Gly)

Gene: TNNI3 (troponin I3, cardiac type; minus strand). Cytogenetic location: 19q13.42.
Variant type: single nucleotide variant.
Coding change: c.401A>G on transcript NM_000363.5 (MANE Select); coding-DNA position 401, A replaced by G.
Protein change: p.Asp134Gly; replaces aspartic acid 134 with glycine.
Molecular consequence: missense variant.
Genome position (GRCh38, 1-based): chr19:55,154,178, T>C on the plus strand (A>G on the coding strand, the complement: TNNI3 is on the minus strand). VCF-style: chr19-55154178-T-C. GRCh37 (hg19) VCF-style: chr19-55665546-T-C.
Other names: short protein forms D134G.
Identifiers: ClinVar variation 165518 (VCV000165518.5), dbSNP rs727503505, ClinGen allele CA021608.